The following is an entry in ClinVar:

NM_182914.3(SYNE2):c.10196G>T (p.Arg3399Leu)

Gene: SYNE2 (spectrin repeat containing nuclear envelope protein 2; plus strand). Cytogenetic location: 14q23.2.
Variant type: single nucleotide variant.
Coding change: c.10196G>T on transcript NM_182914.3 (MANE Select); coding-DNA position 10196, G replaced by T.
Protein change: p.Arg3399Leu; replaces arginine 3399 with leucine.
Molecular consequence: missense variant.
Genome position (GRCh38, 1-based): chr14:64,062,879, G>T. VCF-style: chr14-64062879-G-T. GRCh37 (hg19) VCF-style: chr14-64529597-G-T.
Other names: c.10196G>T, p.Arg3399Leu (NM_015180.6); short protein forms R3399L.
Identifiers: ClinVar variation 4874431 (VCV004874431.2).

ClinVar aggregate classification (germline): Uncertain significance (1 of 4 stars; one submission).

Submission:

CeGaT Center for Human Genetics Tuebingen
Classification: Uncertain significance. Last evaluated: 2026-04-01. Review status: criteria provided, single submitter. Criteria: CeGaT Center For Human Genetics Tuebingen Variant Classification Criteria Version 2. Collection method: clinical testing. Allele origin: germline. Affected: yes. Observed: 1 variant allele.
Comment: SYNE2: PM2, BP4